The following is an entry in ClinVar:

NM_003325.4(HIRA):c.-21GGC[6]

Gene: HIRA (histone cell cycle regulator; minus strand). Cytogenetic location: 22q11.21.
Variant type: Microsatellite.
Coding change: c.-21GGC[6] on transcript NM_003325.4 (MANE Select); six copies in a row of the 3-base unit GGC starting at c.-21; the reference has five copies in a row; one copy, 3 bases duplicated.
Molecular consequence: 5 prime UTR variant.
Genome position (GRCh38, 1-based): chr22:19,431,483-19,431,485, GCC duplicated on the plus strand (GGC on the coding strand, the reverse complement: HIRA is on the minus strand); duplicating any 3 consecutive bases within chr22:19,431,483-19,431,498 gives the same sequence; the position shown is the placement nearest the transcript's 3' end. VCF-style (leftmost placement, unchanged base first): chr22-19431482-G-GGCC. GRCh37 (hg19) VCF-style: chr22-19419005-G-GGCC.
Other names: c.-9_-7dupGGC (NM_003325.3).
Identifiers: ClinVar variation 1274354 (VCV001274354.3), dbSNP rs535003721, ClinGen allele CA10100063.

ClinVar aggregate classification (germline): Benign. Review status: criteria provided, single submitter (1 of 4 stars). 2 submissions from 2 submitters: Benign (1). 1 of the submissions does not count toward it. Last evaluated 2021-05-12.

Conditions:
HIRA-related disorder.

Submissions (2):

GeneDx
Classification: Benign. Last evaluated: 2021-05-12. Review status: criteria provided, single submitter. Criteria: GeneDx Variant Classification Process June 2021. Collection method: clinical testing. Allele origin: germline. Affected: yes.

PreventionGenetics, part of Exact Sciences
Classification: Benign for HIRA-related condition. Last evaluated: 2019-03-25. Review status: no assertion criteria provided. Collection method: clinical testing. Allele origin: germline. Not counted in ClinVar's aggregate classification.
Comment: This variant is classified as benign based on ACMG/AMP sequence variant interpretation guidelines (Richards et al. 2015 PMID: 25741868, with internal and published modifications).